The following is an entry in ClinVar:

ClinVar aggregate classification (germline): Pathogenic (1 of 4 stars; one submission).

Conditions:
Methylmalonic aciduria, cblB type (MACB). Also called: Vitamin B12-responsive methylmalonic acidemia type cblB; METHYLMALONIC ACIDURIA, VITAMIN B12-RESPONSIVE, DUE TO DEFECT IN SYNTHESIS OF ADENOSYLCOBALAMIN, cblB TYPE; Methylmalonic acidemia cblB type. Identifiers: Orphanet 28, Orphanet 79311, MedGen C1855102, MONDO:0009614, OMIM 251110.

Submission:

Labcorp Genetics (formerly Invitae), Labcorp
Classification: Pathogenic for Methylmalonic aciduria, cblB type. Last evaluated: 2021-08-14. Review status: criteria provided, single submitter. Criteria: Invitae Variant Classification Sherloc (09022015). Collection method: clinical testing. Allele origin: germline.
Comment: This sequence change creates a premature translational stop signal (p.Trp156*) in the MMAB gene. It is expected to result in an absent or disrupted protein product. Loss-of-function variants in MMAB are known to be pathogenic (PMID: 15781192, 16410054). For these reasons, this variant has been classified as Pathogenic. This variant has not been reported in the literature in individuals affected with MMAB-related conditions. This variant is not present in population databases (ExAC no frequency).

Literature cited by the submitters: PubMed 15781192; PubMed 16410054.

NM_052845.4(MMAB):c.467G>A (p.Trp156Ter)

Gene: MMAB (metabolism of cobalamin associated B; minus strand). Cytogenetic location: 12q24.11.
Variant type: single nucleotide variant.
Coding change: c.467G>A on transcript NM_052845.4 (MANE Select); coding-DNA position 467, G replaced by A.
Protein change: p.Trp156Ter; replaces tryptophan 156 with a stop codon.
Molecular consequence: nonsense. On other transcripts: non-coding transcript variant (1).
Genome position (GRCh38, 1-based): chr12:109,561,472, C>T on the plus strand (G>A on the coding strand, the complement: MMAB is on the minus strand). VCF-style: chr12-109561472-C-T. GRCh37 (hg19) VCF-style: chr12-109999277-C-T.
Other names: short protein forms W156*.
Identifiers: ClinVar variation 1402961 (VCV001402961.6), dbSNP rs2136199270, ClinGen allele CA386637414.
Genomic context (GRCh38, chr12:109,561,472, plus strand): 5'-GTACCTACAGGCAGGATGAAGGCCGTGAGTGGTGGGAGCTGGCTGGTGTACTTGTCGATC[C>T]ACTGCTCCAGCTCCAGGATGGGCCCCGCCTTGAACGTGGTATACTCTGAGGAGCCAAGGA-3'